The following is an entry in ClinVar:

ClinVar aggregate classification (germline): Conflicting classifications of pathogenicity. Review status: criteria provided, conflicting classifications (1 of 4 stars). 4 submissions from 4 submitters: Uncertain significance (1); Likely benign (2). 1 of the submissions does not count toward it. Last evaluated 2026-01-26.

Conditions:
NPHP1-related disorder. Also called: NPHP1-related condition; NPHP1-related disorders.
Nephronophthisis. Also called: Juvenile Nephronophthisis. Identifiers: Orphanet 655, MedGen C0687120, MONDO:0019005, HP:0000090.

Allele frequency attached by ClinVar (database versions not stated): gnomAD exomes below 0.00001; TOPMed below 0.00001.
gnomAD v4.1: 6 of 1,604,800 alleles (0.00037%); highest among the groups gnomAD compares: Non-Finnish European, 0.00017%; no homozygotes.

Submissions (4):

Labcorp Genetics (formerly Invitae), Labcorp
Classification: Likely benign for Nephronophthisis. Last evaluated: 2026-01-26. Review status: criteria provided, single submitter. Criteria: Invitae Variant Classification Sherloc (09022015). Collection method: clinical testing. Allele origin: germline.

Blueprint Genetics
Classification: Likely benign. Last evaluated: 2024-05-27. Review status: criteria provided, single submitter. Criteria: ACMG Guidelines, 2015. Collection method: clinical testing. Allele origin: germline.

Eurofins Ntd Llc (ga)
Classification: Uncertain significance. Last evaluated: 2017-05-23. Review status: criteria provided, single submitter. Criteria: EGL Classification Definitions 2015. Collection method: clinical testing. Allele origin: germline. Observed: 1 variant allele, 1 heterozygote.

PreventionGenetics, part of Exact Sciences
Classification: Likely benign for NPHP1-related condition. Last evaluated: 2019-02-21. Review status: no assertion criteria provided. Collection method: clinical testing. Allele origin: germline. Not counted in ClinVar's aggregate classification.
Comment: This variant is classified as likely benign based on ACMG/AMP sequence variant interpretation guidelines (Richards et al. 2015 PMID: 25741868, with internal and published modifications).

NM_001128178.3(NPHP1):c.728+9G>A

Gene: NPHP1 (nephrocystin 1; minus strand). Cytogenetic location: 2q13.
Variant type: single nucleotide variant.
Coding change: c.728+9G>A on transcript NM_001128178.3 (MANE Select); 9 bases into the intron after coding-DNA position 728, G replaced by A.
Molecular consequence: intron variant.
Genome position (GRCh38, 1-based): chr2:110,165,043, C>T on the plus strand (G>A on the coding strand, the complement: NPHP1 is on the minus strand). VCF-style: chr2-110165043-C-T. GRCh37 (hg19) VCF-style: chr2-110922620-C-T.
Other names: c.542+9G>A (NM_001128179.3); c.728+9G>A (NM_001374256.1, NM_001374257.1, NM_207181.4 and 2 more transcripts).
Identifiers: ClinVar variation 502168 (VCV000502168.15), dbSNP rs1280756117, ClinGen allele CA535156358.